The following is an entry in ClinVar:

ClinVar aggregate classification (germline): Uncertain significance. Review status: criteria provided, multiple submitters, no conflicts (2 of 4 stars). 2 submissions from 2 submitters: Uncertain significance (2). Last evaluated 2025-11-05.

Conditions:
Inborn genetic diseases. Identifiers: MedGen C0950123, MeSH D030342.

Allele frequency attached by ClinVar (database versions not stated): gnomAD 0.00011; gnomAD exomes 0.00001 and 0.00004; ExAC 0.00002; TOPMed 0.00018.
gnomAD v4.1: 35 of 1,613,122 alleles (0.0022%); highest among the groups gnomAD compares: African/African-American, 0.02%; no homozygotes.

Submissions (2):

Ambry Genetics
Classification: Uncertain significance for Inborn genetic diseases. Last evaluated: 2025-11-05. Review status: criteria provided, single submitter. Criteria: Ambry Variant Classification Scheme 2023. Collection method: clinical testing. Allele origin: germline.

Labcorp Genetics (formerly Invitae), Labcorp
Classification: Uncertain significance. Last evaluated: 2021-09-24. Review status: criteria provided, single submitter. Criteria: Invitae Variant Classification Sherloc (09022015). Collection method: clinical testing. Allele origin: germline.
Comment: This sequence change replaces glycine with arginine at codon 61 of the ADAMTSL4 protein (p.Gly61Arg). The glycine residue is highly conserved and there is a moderate physicochemical difference between glycine and arginine. This variant is present in population databases (rs759709764, ExAC 0.01%). This variant has not been reported in the literature in individuals with ADAMTSL4-related conditions. Algorithms developed to predict the effect of missense changes on protein structure and function are either unavailable or do not agree on the potential impact of this missense change (SIFT: "Deleterious"; PolyPhen-2: "Probably Damaging"; Align-GVGD: "Class C15"). Algorithms developed to predict the effect of sequence changes on RNA splicing suggest that this variant may create or strengthen a splice site, but this prediction has not been confirmed by published transcriptional studies. In summary, the available evidence is currently insufficient to determine the role of this variant in disease. Therefore, it has been classified as a Variant of Uncertain Significance.

NM_019032.6(ADAMTSL4):c.181G>A (p.Gly61Arg)

Genes: ADAMTSL4 (ADAMTS like 4; plus strand), ADAMTSL4-AS2 (ADAMTSL4 antisense RNA 2; minus strand). Cytogenetic location: 1q21.2.
Variant type: single nucleotide variant.
Coding change: c.181G>A on transcript NM_019032.6 (MANE Select); coding-DNA position 181, G replaced by A.
Protein change: p.Gly61Arg; replaces glycine 61 with arginine.
Molecular consequence: missense variant.
Genome position (GRCh38, 1-based): chr1:150,553,000, G>A. VCF-style: chr1-150553000-G-A. GRCh37 (hg19) VCF-style: chr1-150525476-G-A.
Other names: c.181G>A (NM_019032.4); c.181G>A, p.Gly61Arg (NM_001288607.2, NM_001288608.2, NM_001378596.1 and 1 more transcripts); short protein forms G61R.
Identifiers: ClinVar variation 1430550 (VCV001430550.6), dbSNP rs759709764, ClinGen allele CA1077890.